The following is an entry in ClinVar:

NM_012431.3(SEMA3E):c.1550A>G (p.His517Arg)

Gene: SEMA3E (semaphorin 3E; minus strand). Cytogenetic location: 7q21.11.
Variant type: single nucleotide variant.
Coding change: c.1550A>G on transcript NM_012431.3 (MANE Select); coding-DNA position 1550, A replaced by G.
Protein change: p.His517Arg; replaces histidine 517 with arginine.
Molecular consequence: missense variant.
Genome position (GRCh38, 1-based): chr7:83,392,672, T>C on the plus strand (A>G on the coding strand, the complement: SEMA3E is on the minus strand). VCF-style: chr7-83392672-T-C. GRCh37 (hg19) VCF-style: chr7-83021988-T-C.
Other names: c.1370A>G, p.His457Arg (NM_001178129.2); short protein forms H517R, H457R.
Identifiers: ClinVar variation 2825497 (VCV002825497.3), dbSNP rs2484292316, ClinGen allele CA367923511.
Genomic context (GRCh38, chr7:83,392,672, plus strand): 5'-CAGTAAGGGTCTCGAGCCAGGCAGCAGTCAGCACAAGCACTTCCATACATGTCACAGTGA[T>C]GGAATCTGACTTGAGCCACAGCAGAAGCAGATCCAATATACAGCTGTTGCTACAGAAATC-3'
Protein context (NP_036563.1, residues 507-527): SASAVAQVRF[His517Arg]HCDMYGSACA

ClinVar aggregate classification (germline): Uncertain significance (1 of 4 stars; one submission).

Conditions:
CHARGE syndrome (CHARGE). Also called: Hittner Hirsch Kreh syndrome; CHARGE ASSOCIATION--COLOBOMA, HEART ANOMALY, CHOANAL ATRESIA, RETARDATION, GENITAL AND EAR ANOMALIES; Coloboma, heart anomaly, choanal atresia, retardation, genital and ear anomalies; CHARGE association; Hall-Hittner syndrome. Identifiers: Orphanet 138, MedGen C0265354, MONDO:0008965.

Submission:

Labcorp Genetics (formerly Invitae), Labcorp
Classification: Uncertain significance for CHARGE syndrome. Last evaluated: 2022-12-31. Review status: criteria provided, single submitter. Criteria: Invitae Variant Classification Sherloc (09022015). Collection method: clinical testing. Allele origin: germline.
Comment: In summary, the available evidence is currently insufficient to determine the role of this variant in disease. Therefore, it has been classified as a Variant of Uncertain Significance. This sequence change replaces histidine, which is basic and polar, with arginine, which is basic and polar, at codon 517 of the SEMA3E protein (p.His517Arg). Advanced modeling of protein sequence and biophysical properties (such as structural, functional, and spatial information, amino acid conservation, physicochemical variation, residue mobility, and thermodynamic stability) performed at Invitae indicates that this missense variant is not expected to disrupt SEMA3E protein function. This variant has not been reported in the literature in individuals affected with SEMA3E-related conditions. This variant is not present in population databases (gnomAD no frequency).